The following is an entry in ClinVar:

NM_138615.3(DHX30):c.647A>C (p.His216Pro)

Gene: DHX30 (DExH-box helicase 30; plus strand). Cytogenetic location: 3p21.31.
Variant type: single nucleotide variant.
Coding change: c.647A>C on transcript NM_138615.3 (MANE Select); coding-DNA position 647, A replaced by C.
Protein change: p.His216Pro; replaces histidine 216 with proline.
Molecular consequence: missense variant.
Genome position (GRCh38, 1-based): chr3:47,841,157, A>C. VCF-style: chr3-47841157-A-C. GRCh37 (hg19) VCF-style: chr3-47882647-A-C.
Other names: c.563A>C, p.His188Pro (NM_001330990.2); c.530A>C, p.His177Pro (NM_014966.4); short protein forms H177P, H188P, H216P.
Identifiers: ClinVar variation 4991631 (VCV004991631.1).

ClinVar aggregate classification (germline): Uncertain significance (1 of 4 stars; one submission).

Conditions:
DHX30-related disorder. Also called: DHX30-related condition.

gnomAD v4.1: 1 of 1,613,984 alleles (0.000062%); highest among the groups gnomAD compares: Non-Finnish European, 0.000085%; no homozygotes.

Submission:

PreventionGenetics, part of Exact Sciences
Classification: Uncertain significance for DHX30-related condition. Last evaluated: 2026-04-19. Review status: criteria provided, single submitter. Criteria: ACMG Guidelines, 2015. Collection method: clinical testing. Allele origin: germline.
Comment: The DHX30 c.647A>C variant is predicted to result in the amino acid substitution p.His216Pro. To our knowledge, this variant has not been reported in the literature or in a large population database (gnomAD), indicating this variant is rare. At this time, the clinical significance of this variant is uncertain due to the absence of conclusive functional and genetic evidence.